The following is an entry in ClinVar:

NM_017649.5(CNNM2):c.318C>A (p.Tyr106Ter)

Gene: CNNM2 (cyclin and CBS domain divalent metal cation transport mediator 2; plus strand). Cytogenetic location: 10q24.32.
Variant type: single nucleotide variant.
Coding change: c.318C>A on transcript NM_017649.5 (MANE Select); coding-DNA position 318, C replaced by A.
Protein change: p.Tyr106Ter; replaces tyrosine 106 with a stop codon.
Molecular consequence: nonsense.
Genome position (GRCh38, 1-based): chr10:102,918,798, C>A. VCF-style: chr10-102918798-C-A. GRCh37 (hg19) VCF-style: chr10-104678555-C-A.
Other names: c.318C>A, p.Tyr106Ter (NM_199076.3, NM_199077.3); short protein forms Y106*.
Identifiers: ClinVar variation 4731665 (VCV004731665.1).

ClinVar aggregate classification (germline): Pathogenic (1 of 4 stars; one submission).

Submission:

Labcorp Genetics (formerly Invitae), Labcorp
Classification: Pathogenic. Last evaluated: 2025-11-21. Review status: criteria provided, single submitter. Criteria: Invitae Variant Classification Sherloc (09022015). Collection method: clinical testing. Allele origin: germline.
Comment: This sequence change creates a premature translational stop signal (p.Tyr106*) in the CNNM2 gene. It is expected to result in an absent or disrupted protein product. Loss-of-function variants in CNNM2 are known to be pathogenic (PMID: 21397062, 24699222). This variant is not present in population databases (gnomAD no frequency). This variant has not been reported in the literature in individuals affected with CNNM2-related conditions. For these reasons, this variant has been classified as Pathogenic.

Literature cited by the submitters: PubMed 21397062; PubMed 24699222.